The following is an entry in ClinVar:

ClinVar aggregate classification (germline): Uncertain significance. Review status: criteria provided, multiple submitters, no conflicts (2 of 4 stars). 4 submissions from 4 submitters: Uncertain significance (4). Last evaluated 2025-09-10.

Conditions:
Hereditary cancer-predisposing syndrome. Also called: Tumor predisposition; Hereditary Cancer Syndrome; Hereditary neoplastic syndrome; Neoplastic Syndromes, Hereditary. Identifiers: Orphanet 140162, MedGen C0027672, MeSH D009386, MONDO:0015356.
Intellectual disability, autosomal dominant 16 (CSS4). Also called: COFFIN-SIRIS SYNDROME 4. Identifiers: Orphanet 1465, MedGen C3553249, MONDO:0013821, OMIM 614609.
Rhabdoid tumor predisposition syndrome 2 (RTPS2). Identifiers: Orphanet 231108, Orphanet 69077, MedGen C2750074, MONDO:0013224, OMIM 613325.

Allele frequency attached by ClinVar (database versions not stated): gnomAD exomes below 0.00001.

Submissions (4):

Labcorp Genetics (formerly Invitae), Labcorp
Classification: Uncertain significance for Rhabdoid tumor predisposition syndrome 2. Last evaluated: 2025-09-10. Review status: criteria provided, single submitter. Criteria: Invitae Variant Classification Sherloc (09022015). Collection method: clinical testing. Allele origin: germline.
Comment: This sequence change replaces methionine, which is neutral and non-polar, with isoleucine, which is neutral and non-polar, at codon 1562 of the SMARCA4 protein (p.Met1562Ile). This variant is not present in population databases (gnomAD no frequency). This variant has not been reported in the literature in individuals affected with SMARCA4-related conditions. ClinVar contains an entry for this variant (Variation ID: 537804). Invitae Evidence Modeling of protein sequence and biophysical properties (such as structural, functional, and spatial information, amino acid conservation, physicochemical variation, residue mobility, and thermodynamic stability) indicates that this missense variant is not expected to disrupt SMARCA4 protein function with a negative predictive value of 80%. In summary, the available evidence is currently insufficient to determine the role of this variant in disease. Therefore, it has been classified as a Variant of Uncertain Significance.

Ambry Genetics
Classification: Uncertain significance for Hereditary cancer-predisposing syndrome. Last evaluated: 2024-09-30. Review status: criteria provided, single submitter. Criteria: Ambry Variant Classification Scheme 2023. Collection method: clinical testing. Allele origin: germline.
Comment: The p.M1562I variant (also known as c.4686G>A), located in coding exon 32 of the SMARCA4 gene, results from a G to A substitution at nucleotide position 4686. The methionine at codon 1562 is replaced by isoleucine, an amino acid with highly similar properties. This amino acid position is conserved. In addition, the in silico prediction for this alteration is inconclusive. Based on the available evidence, the clinical significance of this variant remains unclear.

Institute for Clinical Genetics, University Hospital TU Dresden, University Hospital TU Dresden
Classification: Uncertain significance. Last evaluated: 2021-11-03. Review status: criteria provided, single submitter. Criteria: ACMG Guidelines, 2015. Collection method: clinical testing. Allele origin: germline.

Genome-Nilou Lab
Classification: Uncertain significance for Intellectual disability, autosomal dominant 16. Last evaluated: 2021-07-15. Review status: criteria provided, single submitter. Criteria: ACMG Guidelines, 2015. Collection method: clinical testing. Allele origin: germline. Affected: no.

NM_003072.5(SMARCA4):c.4590G>A (p.Met1530Ile)

Gene: SMARCA4 (SWI/SNF related BAF chromatin remodeling complex subunit ATPase 4; plus strand). Cytogenetic location: 19p13.2.
Variant type: single nucleotide variant.
Coding change: c.4590G>A on transcript NM_003072.5 (MANE Select); coding-DNA position 4590, G replaced by A.
Protein change: p.Met1530Ile; replaces methionine 1530 with isoleucine.
Molecular consequence: missense variant. On other transcripts: non-coding transcript variant (1).
Genome position (GRCh38, 1-based): chr19:11,058,844, G>A. VCF-style: chr19-11058844-G-A. GRCh37 (hg19) VCF-style: chr19-11169520-G-A.
Other names: c.4590G>A, p.Met1530Ile (NM_001128844.3); c.4500G>A, p.Met1500Ile (NM_001128845.2); c.4497G>A, p.Met1499Ile (NM_001128846.2); c.4491G>A, p.Met1497Ile (NM_001128847.4, NM_001374457.1); c.4488G>A, p.Met1496Ile (NM_001128848.2); c.4686G>A, p.Met1562Ile (NM_001128849.3, NM_001387283.1); short protein forms M1562I, M1497I, M1499I, M1500I, M1530I, M1496I.
Identifiers: ClinVar variation 537804 (VCV000537804.14), dbSNP rs1555795386, ClinGen allele CA404078937.